The following is an entry in ClinVar:

NM_014806.5(RUSC2):c.242T>C (p.Ile81Thr)

Gene: RUSC2 (RUN and SH3 domain containing 2; plus strand). Cytogenetic location: 9p13.3.
Variant type: single nucleotide variant.
Coding change: c.242T>C on transcript NM_014806.5 (MANE Select); coding-DNA position 242, T replaced by C.
Protein change: p.Ile81Thr; replaces isoleucine 81 with threonine.
Molecular consequence: missense variant. On other transcripts: non-coding transcript variant (1), intron variant (1).
Genome position (GRCh38, 1-based): chr9:35,546,763, T>C. VCF-style: chr9-35546763-T-C. GRCh37 (hg19) VCF-style: chr9-35546760-T-C.
Other names: c.242T>C (NM_001135999.1); c.242T>C, p.Ile81Thr (NM_001135999.2); c.-620-8297T>C (NM_001330740.2); short protein forms I81T.
Identifiers: ClinVar variation 1958339 (VCV001958339.4), dbSNP rs772603148, ClinGen allele CA5043425.

ClinVar aggregate classification (germline): Conflicting classifications of pathogenicity. Review status: criteria provided, conflicting classifications (1 of 4 stars). 2 submissions from 2 submitters: Uncertain significance (1); Likely benign (1). Last evaluated 2025-08-07.

Conditions:
Intellectual developmental disorder, autosomal recessive 61. Also called: Intellectual disability, autosomal recessive 61; ALWADEI SYNDROME; MENTAL RETARDATION, AUTOSOMAL RECESSIVE 61. Identifiers: MedGen C4540424, MONDO:0030915, OMIM 617773.

Allele frequency attached by ClinVar (database versions not stated): TOPMed below 0.00001; gnomAD exomes 0.00001; gnomAD 0.00001; ExAC 0.00002.
gnomAD v4.1: 10 of 1,600,552 alleles (0.00062%); highest among the groups gnomAD compares: Non-Finnish European, 0.00085%; no homozygotes.

Submissions (2):

Ambry Genetics
Classification: Likely benign. Last evaluated: 2025-08-07. Review status: criteria provided, single submitter. Criteria: Ambry Variant Classification Scheme 2023. Collection method: clinical testing. Allele origin: germline.

Labcorp Genetics (formerly Invitae), Labcorp
Classification: Uncertain significance. Last evaluated: 2022-10-24. Review status: criteria provided, single submitter. Criteria: Invitae Variant Classification Sherloc (09022015). Collection method: clinical testing. Allele origin: germline.
Comment: This sequence change replaces isoleucine, which is neutral and non-polar, with threonine, which is neutral and polar, at codon 81 of the RUSC2 protein (p.Ile81Thr). This variant is present in population databases (rs772603148, gnomAD 0.002%). This variant has not been reported in the literature in individuals affected with RUSC2-related conditions. Algorithms developed to predict the effect of missense changes on protein structure and function output the following: SIFT: "Tolerated"; PolyPhen-2: "Benign"; Align-GVGD: "Class C0". The threonine amino acid residue is found in multiple mammalian species, which suggests that this missense change does not adversely affect protein function. In summary, the available evidence is currently insufficient to determine the role of this variant in disease. Therefore, it has been classified as a Variant of Uncertain Significance.